The following is an entry in ClinVar:

ClinVar aggregate classification (germline): Uncertain significance. Review status: criteria provided, multiple submitters, no conflicts (2 of 4 stars). 2 submissions from 2 submitters: Uncertain significance (2). Last evaluated 2024-09-17.

Conditions:
Cardiomyopathy (CMYO). Also called: Cardiomyopathies. Identifiers: Orphanet 167848, MedGen C0878544, MONDO:0004994, HP:0001638. Inheritance: Various modes of inheritance.
Hypertrophic cardiomyopathy. Also called: HYPERTROPHIC MYOCARDIOPATHY. Identifiers: Orphanet 217569, MedGen C0007194, MeSH D002312, MONDO:0005045, HP:0001639.

Allele frequency attached by ClinVar (database versions not stated): gnomAD exomes below 0.00001.
gnomAD v4.1: 3 of 1,602,480 alleles (0.00019%); highest among the groups gnomAD compares: Non-Finnish European, 0.00026%; no homozygotes.

Submissions (2):

All of Us Research Program, National Institutes of Health
Classification: Uncertain significance for Hypertrophic cardiomyopathy. Last evaluated: 2024-09-17. Review status: criteria provided, single submitter. Criteria: ACMG Guidelines, 2015. Collection method: clinical testing. Allele origin: germline. Inheritance: Autosomal dominant inheritance. Observed: 1 variant allele, 1 heterozygote.
Comment: This missense variant replaces serine with phenylalanine at codon 24 of the TNNI3 protein. Computational prediction tools and conservation analyses are inconclusive regarding the impact of this variant on the protein function. Computational splicing tools suggest that this variant may not impact RNA splicing. To our knowledge, functional assays have not been performed for this variant nor has this variant been reported in individuals affected with cardiovascular disorders in the literature. This variant has not been identified in the general population by the Genome Aggregation Database (gnomAD). Available evidence is insufficient to determine the role of this variant in disease conclusively. Therefore, this variant is classified as a Variant of Uncertain Significance.

This study involves interpretation of variants in research participants for the purpose of population health screening. Participant phenotype was not available at the time of variant classification. Additional details can be found in publication PMID: 35346344, PMCID: PMC8962531

Color Diagnostics, LLC DBA Color Health
Classification: Uncertain significance for Cardiomyopathy. Last evaluated: 2023-12-04. Review status: criteria provided, single submitter. Criteria: ACMG Guidelines, 2015. Collection method: clinical testing. Allele origin: germline.
Comment: This missense variant replaces serine with phenylalanine at codon 24 of the TNNI3 protein. Computational prediction tools and conservation analyses are inconclusive regarding the impact of this variant on the protein function. Computational splicing tools suggest that this variant may not impact RNA splicing. To our knowledge, functional assays have not been performed for this variant nor has this variant been reported in individuals affected with cardiovascular disorders in the literature. This variant has not been identified in the general population by the Genome Aggregation Database (gnomAD). Available evidence is insufficient to determine the role of this variant in disease conclusively. Therefore, this variant is classified as a Variant of Uncertain Significance.

NM_000363.5(TNNI3):c.71C>T (p.Ser24Phe)

Gene: TNNI3 (troponin I3, cardiac type; minus strand). Cytogenetic location: 19q13.42.
Variant type: single nucleotide variant.
Coding change: c.71C>T on transcript NM_000363.5 (MANE Select); coding-DNA position 71, C replaced by T.
Protein change: p.Ser24Phe; replaces serine 24 with phenylalanine.
Molecular consequence: missense variant.
Genome position (GRCh38, 1-based): chr19:55,157,087, G>A on the plus strand (C>T on the coding strand, the complement: TNNI3 is on the minus strand). VCF-style: chr19-55157087-G-A. GRCh37 (hg19) VCF-style: chr19-55668455-G-A.
Other names: short protein forms S24F.
Identifiers: ClinVar variation 927339 (VCV000927339.6), dbSNP rs1056846497, ClinGen allele CA310150385.